The following is an entry in ClinVar:

NM_001040108.2(MLH3):c.2695C>A (p.Leu899Ile)

Gene: MLH3 (mutL homolog 3; minus strand). Cytogenetic location: 14q24.3.
Variant type: single nucleotide variant.
Coding change: c.2695C>A on transcript NM_001040108.2 (MANE Select); coding-DNA position 2695, C replaced by A.
Protein change: p.Leu899Ile; replaces leucine 899 with isoleucine.
Molecular consequence: missense variant.
Genome position (GRCh38, 1-based): chr14:75,046,961, G>T on the plus strand (C>A on the coding strand, the complement: MLH3 is on the minus strand). VCF-style: chr14-75046961-G-T. GRCh37 (hg19) VCF-style: chr14-75513664-G-T.
Other names: c.2695C>A, p.Leu899Ile (NM_014381.3); short protein forms L899I.
Identifiers: ClinVar variation 1794841 (VCV001794841.2), dbSNP rs2139557483, ClinGen allele CA390439000.

ClinVar aggregate classification (germline): Uncertain significance (1 of 4 stars; one submission).

Submission:

Ambry Genetics
Classification: Uncertain significance. Last evaluated: 2021-12-03. Review status: criteria provided, single submitter. Criteria: Ambry Variant Classification Scheme 2023. Collection method: clinical testing. Allele origin: germline.
Comment: The p.L899I variant (also known as c.2695C>A), located in coding exon 1 of the MLH3 gene, results from a C to A substitution at nucleotide position 2695. The leucine at codon 899 is replaced by isoleucine, an amino acid with highly similar properties. This amino acid position is conserved. In addition, this alteration is predicted to be tolerated by in silico analysis. Since supporting evidence is limited at this time, the clinical significance of this alteration remains unclear.